The following is an entry in ClinVar:

ClinVar aggregate classification (germline): Uncertain significance. Review status: criteria provided, multiple submitters, no conflicts (2 of 4 stars). 2 submissions from 2 submitters: Uncertain significance (2). Last evaluated 2024-03-07.

Conditions:
Hereditary cancer-predisposing syndrome. Also called: Tumor predisposition; Hereditary Cancer Syndrome; Neoplastic Syndromes, Hereditary; Hereditary neoplastic syndrome. Identifiers: Orphanet 140162, MedGen C0027672, MeSH D009386, MONDO:0015356.

Submissions (2):

Color Diagnostics, LLC DBA Color Health
Classification: Uncertain significance for Hereditary cancer-predisposing syndrome. Last evaluated: 2024-03-07. Review status: criteria provided, single submitter. Criteria: ACMG Guidelines, 2015. Collection method: clinical testing. Allele origin: germline.
Comment: This missense variant replaces tyrosine with aspartic acid at codon 1475 of the ATM protein. Computational prediction suggests that this variant may not impact protein structure and function (internally defined REVEL score threshold <= 0.5, PMID: 27666373). To our knowledge, functional studies have not been reported for this variant. This variant has not been reported in individuals affected with hereditary cancer in the literature. This variant has not been identified in the general population by the Genome Aggregation Database (gnomAD). The available evidence is insufficient to determine the role of this variant in disease conclusively. Therefore, this variant is classified as a Variant of Uncertain Significance.

Ambry Genetics
Classification: Uncertain significance for Hereditary cancer-predisposing syndrome. Last evaluated: 2021-11-22. Review status: criteria provided, single submitter. Criteria: Ambry Variant Classification Scheme 2023. Collection method: clinical testing. Allele origin: germline.
Comment: The p.Y1475D variant (also known as c.4423T>G), located in coding exon 28 of the ATM gene, results from a T to G substitution at nucleotide position 4423. The tyrosine at codon 1475 is replaced by aspartic acid, an amino acid with highly dissimilar properties. This amino acid position is conserved. In addition, the in silico prediction for this alteration is inconclusive. Since supporting evidence is limited at this time, the clinical significance of this alteration remains unclear.

NM_000051.4(ATM):c.4423T>G (p.Tyr1475Asp)

Gene: ATM (ATM serine/threonine kinase; plus strand). Cytogenetic location: 11q22.3.
Variant type: single nucleotide variant.
Coding change: c.4423T>G on transcript NM_000051.4 (MANE Select); coding-DNA position 4423, T replaced by G.
Protein change: p.Tyr1475Asp; replaces tyrosine 1475 with aspartic acid.
Molecular consequence: missense variant.
Genome position (GRCh38, 1-based): chr11:108,289,788, T>G. VCF-style: chr11-108289788-T-G. GRCh37 (hg19) VCF-style: chr11-108160515-T-G.
Other names: c.4423T>G, p.Tyr1475Asp (NM_001351834.2); short protein forms Y1475D.
Identifiers: ClinVar variation 1332609 (VCV001332609.5), dbSNP rs1475596724, ClinGen allele CA382532268.
Genomic context (GRCh38, chr11:108,289,788, plus strand): 5'-AGTGGCTTAGGAGGAGCTTGGGCCTTTGTTCTTCGAGACGTTATTTATACTTTGATTCAC[T>G]ATATCAACCAAAGGTAAATAACATATTTAGACCAATATATAAGCAGTCTTTCTATCCTGT-3'
Protein context (NP_000042.3, residues 1465-1485): LRDVIYTLIH[Tyr1475Asp]INQRPSCIMD